The following is an entry in ClinVar:

NM_014994.3(MAPKBP1):c.3991del (p.Ala1331fs)

Gene: MAPKBP1 (mitogen-activated protein kinase binding protein 1; plus strand). Cytogenetic location: 15q15.1.
Variant type: Deletion.
Coding change: c.3991del on transcript NM_014994.3 (MANE Select); coding-DNA position 3991, one base deleted (G; older notation c.3991delG).
Protein change: p.Ala1331fs; shifts the reading frame from alanine 1331.
Molecular consequence: frameshift variant. On other transcripts: non-coding transcript variant (2), intron variant (1).
Genome position (GRCh38, 1-based): chr15:41,823,839, G deleted. VCF-style (leftmost placement, unchanged base first): chr15-41823838-AG-A. GRCh37 (hg19) VCF-style: chr15-42116036-AG-A.
Other names: c.4009del, p.Ala1337fs (NM_001128608.2); c.3383-645del (NM_001265611.2); short protein forms A1331fs, A1337fs.
Identifiers: ClinVar variation 5005397 (VCV005005397.2).
Genomic context (GRCh38, chr15:41,823,838, plus strand): 5'-CACCAAAGGCCGGGCCCCTGGCGAGGCAGAAAAGCCTGGCTTCCCGGTGGGCCTAGGAAA[AG>A]CTCACAGTACAACTGAGAGATGGGCCTGTTTGGGGGAGGGCACCACTCCCAAGCCTAGGA-3'

ClinVar aggregate classification (germline): Likely pathogenic (1 of 4 stars; one submission).

Conditions:
Nephronophthisis 20 (NPHP20). Identifiers: MedGen C4310640, MONDO:0014997, OMIM 617271.

Submission:

Juno Genomics, Hangzhou Juno Genomics, Inc
Classification: Likely pathogenic for Nephronophthisis 20. Review status: criteria provided, single submitter. Criteria: ACMG Guidelines, 2015. Collection method: clinical testing. Allele origin: germline.
Comment: Null variant in a gene where loss of function (LOF) is a known mechanism of disease.;Absent from controls (or at extremely low frequency if recessive) in Genome Aggregation Database.